The following is an entry in ClinVar:

NM_000073.3(CD3G):c.-17G>T

Gene: CD3G (CD3 gamma subunit of T-cell receptor complex; plus strand). Cytogenetic location: 11q23.3.
Variant type: single nucleotide variant.
Coding change: c.-17G>T on transcript NM_000073.3 (MANE Select); 17 bases upstream of the start codon, G replaced by T.
Molecular consequence: 5 prime UTR variant.
Genome position (GRCh38, 1-based): chr11:118,344,407, G>T. VCF-style: chr11-118344407-G-T. GRCh37 (hg19) VCF-style: chr11-118215122-G-T.
Identifiers: ClinVar variation 302679 (VCV000302679.8), dbSNP rs145293635, ClinGen allele CA6302050.

ClinVar aggregate classification (germline): Conflicting classifications of pathogenicity. Review status: criteria provided, conflicting classifications (1 of 4 stars). 3 submissions from 3 submitters: Uncertain significance (2); Benign (1). Last evaluated 2026-02-05.

Conditions:
Combined immunodeficiency due to CD3gamma deficiency. Also called: Immunodeficiency 17; Immunodeficiency 17, CD3 gamma deficient; CD3-GAMMA DEFICIENCY; SCID-LIKE IMMUNODEFICIENCY, T CELL-PARTIAL, B CELL-POSITIVE, NK CELL-POSITIVE. Identifiers: Orphanet 169082, MedGen C3810107, MONDO:0014276, OMIM 615607.

Allele frequency attached by ClinVar (database versions not stated): gnomAD 0.00124; ExAC 0.00138; ESP Exome Variant Server 0.00147; TOPMed 0.00166; 1000 Genomes Project 30x 0.00234; 1000 Genomes Project 0.00240.

Submissions (3):

Women's Health and Genetics/Laboratory Corporation of America, LabCorp
Classification: Benign. Last evaluated: 2026-02-05. Review status: criteria provided, single submitter. Criteria: LabCorp Variant Classification Summary - May 2015. Collection method: clinical testing. Allele origin: germline.
Comment: Variant summary: CD3G c.-17G>T is located in the untranslated mRNA region upstream of the initiation codon. The variant allele was found at a frequency of 0.00046 in 172372 control chromosomes, predominantly at a frequency of 0.0072 within the African or African-American subpopulation in the gnomAD database, including 1 homozygote. The observed variant frequency within African or African-American control individuals in the gnomAD database exceeds the estimated maximal expected allele frequency for disease-causing variants in CD3G. To our knowledge, no occurrence of c.-17G>T in individuals affected with CD3G-related conditions and no experimental evidence demonstrating its impact on protein function have been reported. ClinVar contains an entry for this variant (Variation ID: 302679). Based on the evidence outlined above, the variant was classified as benign.

Illumina Laboratory Services, Illumina
Classification: Uncertain significance for Combined immunodeficiency due to CD3gamma deficiency. Last evaluated: 2018-01-12. Review status: criteria provided, single submitter. Criteria: ICSL Variant Classification Criteria 13 December 2019. Collection method: clinical testing. Allele origin: germline.

Breakthrough Genomics
Classification: Uncertain significance. Review status: criteria provided, single submitter. Criteria: ACMG Guidelines, 2015. Collection method: not provided. Allele origin: germline. Inheritance: Autosomal recessive inheritance. Affected: yes.